The following is an entry in ClinVar:

ClinVar aggregate classification (germline): Benign/Likely benign. Review status: criteria provided, multiple submitters, no conflicts (2 of 4 stars). 6 submissions from 6 submitters: Benign (2); Likely benign (3). 1 of the submissions does not count toward it. Last evaluated 2026-04-01.

Conditions:
SPTBN2-related disorder. Also called: SPTBN2-related condition.

Allele frequency attached by ClinVar (database versions not stated): TOPMed 0.00123; 1000 Genomes Project 0.00140; 1000 Genomes Project 30x 0.00141; gnomAD 0.00171 and 0.00173; ESP Exome Variant Server 0.00180; gnomAD exomes 0.00235 and 0.00260; ExAC 0.00371.
gnomAD v4.1: 3,638 of 1,602,434 alleles (0.23%); highest among the groups gnomAD compares: Non-Finnish European, 0.25%; 10 homozygotes.

Submissions (7):

CeGaT Center for Human Genetics Tuebingen
Classification: Likely benign. Last evaluated: 2026-04-01. Review status: criteria provided, single submitter. Criteria: CeGaT Center For Human Genetics Tuebingen Variant Classification Criteria Version 2. Collection method: clinical testing. Allele origin: germline. Affected: yes. Observed: 10 variant alleles.
Comment: SPTBN2: BP7

Labcorp Genetics (formerly Invitae), Labcorp
Classification: Benign. Last evaluated: 2025-11-17. Review status: criteria provided, single submitter. Criteria: Invitae Variant Classification Sherloc (09022015). Collection method: clinical testing. Allele origin: germline.

Mayo Clinic Laboratories, Mayo Clinic
Classification: Likely benign. Last evaluated: 2025-11-02. Review status: criteria provided, single submitter. Criteria: ACMG Guidelines, 2015. Collection method: clinical testing. Allele origin: germline. Observed: 1 variant allele.
Comment: BA1

Blueprint Genetics
Classification: Likely benign. Last evaluated: 2024-11-20. Review status: criteria provided, single submitter. Criteria: ACMG Guidelines, 2015. Collection method: clinical testing. Allele origin: germline.

Athena Diagnostics
Classification: Benign. Last evaluated: 2019-04-24. Review status: criteria provided, single submitter. Criteria: Athena Diagnostics Criteria. Collection method: clinical testing. Allele origin: germline.

PreventionGenetics, part of Exact Sciences
Classification: Likely benign for SPTBN2-related condition. Last evaluated: 2019-05-13. Review status: no assertion criteria provided. Collection method: clinical testing. Allele origin: germline. Not counted in ClinVar's aggregate classification.
Comment: This variant is classified as likely benign based on ACMG/AMP sequence variant interpretation guidelines (Richards et al. 2015 PMID: 25741868, with internal and published modifications).

Dr. Peter K. Rogan Lab, Western University
No classification provided (evidence only). Condition: Malignant tumor of urinary bladder. Review status: no classification provided. Collection method: in vitro. Allele origin: not applicable. Functional consequence: retained intron. Not counted in ClinVar's aggregate classification.

NM_006946.4(SPTBN2):c.2526C>T (p.Gly842=)

Gene: SPTBN2 (spectrin beta, non-erythrocytic 2; minus strand). Cytogenetic location: 11q13.2.
Variant type: single nucleotide variant.
Coding change: c.2526C>T on transcript NM_006946.4 (MANE Select); coding-DNA position 2526, C replaced by T.
Protein change: p.Gly842=; no amino-acid change (glycine 842 retained).
Molecular consequence: synonymous variant.
Genome position (GRCh38, 1-based): chr11:66,704,750, G>A on the plus strand (C>T on the coding strand, the complement: SPTBN2 is on the minus strand). VCF-style: chr11-66704750-G-A. GRCh37 (hg19) VCF-style: chr11-66472221-G-A.
Other names: p.Gly842=; c.2526C>T (NM_006946.3).
Identifiers: ClinVar variation 305573 (VCV000305573.59), dbSNP rs144939155, ClinGen allele CA6129100.
Genomic context (GRCh38, chr11:66,704,750, plus strand): 5'-CCCGGCCTCGCTGAGCATGGTGTAGAGCGCCAGGGCTGCCTCCAAGGCCCGCGCTCGCTC[G>A]CCTGCCCGGGCCTGCAGCTCCTCGTAGTGCCGCTCCAGGGTGGGCACCCGGCTCTGCACC-3'
Protein context (NP_008877.2, residues 832-852): RHYEELQARA[Gly842=]ERARALEAAL